The following is an entry in ClinVar:

ClinVar aggregate classification (germline): Uncertain significance. Review status: criteria provided, multiple submitters, no conflicts (2 of 4 stars). 2 submissions from 2 submitters: Uncertain significance (2). Last evaluated 2025-06-20.

Allele frequency attached by ClinVar (database versions not stated): ESP Exome Variant Server 0.00008; 1000 Genomes Project 30x 0.00016; 1000 Genomes Project 0.00020.
gnomAD v4.1: 436 of 1,614,098 alleles (0.027%); highest among the groups gnomAD compares: Non-Finnish European, 0.033%; no homozygotes.

Submissions (2):

Labcorp Genetics (formerly Invitae), Labcorp
Classification: Uncertain significance. Last evaluated: 2025-06-20. Review status: criteria provided, single submitter. Criteria: Invitae Variant Classification Sherloc (09022015). Collection method: clinical testing. Allele origin: germline.
Comment: This sequence change replaces arginine, which is basic and polar, with serine, which is neutral and polar, at codon 4041 of the FAT2 protein (p.Arg4041Ser). This variant is present in population databases (rs201804836, gnomAD 0.02%). This variant has not been reported in the literature in individuals affected with FAT2-related conditions. ClinVar contains an entry for this variant (Variation ID: 2144297). An algorithm developed to predict the effect of missense changes on protein structure and function outputs the following: PolyPhen-2: "Benign". The serine amino acid residue is found in multiple mammalian species, which suggests that this missense change does not adversely affect protein function. In summary, the available evidence is currently insufficient to determine the role of this variant in disease. Therefore, it has been classified as a Variant of Uncertain Significance.

Ambry Genetics
Classification: Uncertain significance. Last evaluated: 2024-06-13. Review status: criteria provided, single submitter. Criteria: Ambry Variant Classification Scheme 2023. Collection method: clinical testing. Allele origin: germline.

NM_001447.3(FAT2):c.12123G>C (p.Arg4041Ser)

Genes: FAT2 (FAT atypical cadherin 2; minus strand), SLC36A1 (solute carrier family 36 member 1; plus strand). Cytogenetic location: 5q33.1.
Variant type: single nucleotide variant.
Coding change: c.12123G>C on transcript NM_001447.3 (MANE Select); coding-DNA position 12123, G replaced by C.
Protein change: p.Arg4041Ser; replaces arginine 4041 with serine.
Molecular consequence: missense variant.
Genome position (GRCh38, 1-based): chr5:151,507,548, C>G on the plus strand (G>C on the coding strand, the complement: FAT2 is on the minus strand). VCF-style: chr5-151507548-C-G. GRCh37 (hg19) VCF-style: chr5-150887109-C-G.
Other names: c.12123G>C (NM_001447.2); short protein forms R4041S.
Identifiers: ClinVar variation 2144297 (VCV002144297.6), dbSNP rs201804836, ClinGen allele CA3519843.